The following is an entry in ClinVar:

NM_007194.4(CHEK2):c.590A>T (p.Lys197Ile)

Gene: CHEK2 (checkpoint kinase 2; minus strand). Cytogenetic location: 22q12.1.
Variant type: single nucleotide variant.
Coding change: c.590A>T on transcript NM_007194.4 (MANE Select); coding-DNA position 590, A replaced by T.
Protein change: p.Lys197Ile; replaces lysine 197 with isoleucine.
Molecular consequence: missense variant. On other transcripts: 5 prime UTR variant (2), intron variant (1).
Genome position (GRCh38, 1-based): chr22:28,724,979, T>A on the plus strand (A>T on the coding strand, the complement: CHEK2 is on the minus strand). VCF-style: chr22-28724979-T-A. GRCh37 (hg19) VCF-style: chr22-29120967-T-A.
Other names: c.719A>T, p.Lys240Ile (NM_001005735.3, NM_001438294.1); c.-188A>T (NM_001257387.3); c.-74A>T (NM_001437942.1); c.683A>T, p.Lys228Ile (NM_001438293.1, NM_001438295.1); c.590A>T, p.Lys197Ile (NM_145862.3); c.445-56A>T (NM_001349956.3); short protein forms K197I, K240I, K228I.
Identifiers: ClinVar variation 483399 (VCV000483399.6), dbSNP rs1555926718, ClinGen allele CA411106913.

ClinVar aggregate classification (germline): Uncertain significance (1 of 4 stars; one submission).

Conditions:
Hereditary cancer-predisposing syndrome. Also called: Tumor predisposition; Hereditary Cancer Syndrome; Neoplastic Syndromes, Hereditary; Hereditary neoplastic syndrome. Identifiers: Orphanet 140162, MedGen C0027672, MeSH D009386, MONDO:0015356.

Submission:

Ambry Genetics
Classification: Uncertain significance for Hereditary cancer-predisposing syndrome. Last evaluated: 2026-02-18. Review status: criteria provided, single submitter. Criteria: Ambry Variant Classification Scheme 2023. Collection method: clinical testing. Allele origin: germline.
Comment: The p.K197I variant (also known as c.590A>T), located in coding exon 3 of the CHEK2 gene, results from an A to T substitution at nucleotide position 590. The lysine at codon 197 is replaced by isoleucine, an amino acid with dissimilar properties. This amino acid position is highly conserved in available vertebrate species. In addition, the in silico prediction for this alteration is inconclusive. Based on the available evidence, the clinical significance of this variant remains unclear.